The following is an entry in ClinVar:

ClinVar aggregate classification (germline): Uncertain significance. Review status: criteria provided, multiple submitters, no conflicts (2 of 4 stars). 2 submissions from 2 submitters: Uncertain significance (2). Last evaluated 2026-08-17.

Conditions:
SEC23B-related disorder. Also called: SEC23B-related disorders; SEC23B-related condition.

gnomAD v4.1: 7 of 1,613,728 alleles (0.00043%); highest among the groups gnomAD compares: South Asian, 0.0077%; no homozygotes.

Submissions (2):

PreventionGenetics, part of Exact Sciences
Classification: Uncertain significance for SEC23B-related condition. Last evaluated: 2026-08-17. Review status: criteria provided, single submitter. Criteria: ACMG Guidelines, 2015. Collection method: clinical testing. Allele origin: germline.
Comment: The SEC23B c.1508G>A variant is predicted to result in the amino acid substitution p.Arg503Gln. This variant has been reported with a second SEC23B variant in individuals with congenital dyserythropoietic anemia (Iolascon et al. 2010. PubMed ID: 20015893; Liao et al. 2024. PubMed ID: 38984100). This variant is reported in 0.0098% of alleles in individuals of South Asian descent in gnomAD. At this time, the clinical significance of this variant is uncertain due to the absence of conclusive functional and genetic evidence.

Women's Health and Genetics/Laboratory Corporation of America, LabCorp
Classification: Uncertain significance. Last evaluated: 2025-06-11. Review status: criteria provided, single submitter. Criteria: LabCorp Variant Classification Summary - May 2015. Collection method: clinical testing. Allele origin: germline.
Comment: Variant summary: SEC23B c.1508G>A (p.Arg503Gln) results in a conservative amino acid change in the encoded protein sequence. Algorithms developed to predict the effect of missense changes on protein structure and function are either unavailable or do not agree on the potential impact of this missense change. The variant allele was found at a frequency of 1.2e-05 in 251368 control chromosomes. The available data on variant occurrences in the general population are insufficient to allow any conclusion about variant significance. c.1508G>A has been observed in an individual affected with Congenital dyserythropoietic anemia, type II (Iolascon_2010). These data do not allow any conclusion about variant significance. To our knowledge, no experimental evidence demonstrating an impact on protein function has been reported. The following publication have been ascertained in the context of this evaluation (PMID: 20015893). ClinVar contains an entry for this variant (Variation ID: 3335977). Based on the evidence outlined above, the variant was classified as uncertain significance.

Literature cited by the submitters: PubMed 20015893 (cited by Women's Health and Genetics/Laboratory Corporation of America, LabCorp).

NM_006363.6(SEC23B):c.1508G>A (p.Arg503Gln)

Gene: SEC23B (SEC23 homolog B, COPII component; plus strand). Cytogenetic location: 20p11.23.
Variant type: single nucleotide variant.
Coding change: c.1508G>A on transcript NM_006363.6 (MANE Select); coding-DNA position 1508, G replaced by A.
Protein change: p.Arg503Gln; replaces arginine 503 with glutamine.
Molecular consequence: missense variant.
Genome position (GRCh38, 1-based): chr20:18,542,399, G>A. VCF-style: chr20-18542399-G-A. GRCh37 (hg19) VCF-style: chr20-18523043-G-A.
Other names: c.1508G>A (NM_006363.4); c.1508G>A, p.Arg503Gln (NM_001172745.3, NM_032985.6, NM_032986.5); c.1454G>A, p.Arg485Gln (NM_001172746.3); short protein forms R485Q, R503Q.
Identifiers: ClinVar variation 3335977 (VCV003335977.3).